The following is an entry in ClinVar:

ClinVar aggregate classification (germline): Pathogenic (1 of 4 stars; one submission).

Submission:

Labcorp Genetics (formerly Invitae), Labcorp
Classification: Pathogenic. Last evaluated: 2025-10-06. Review status: criteria provided, single submitter. Criteria: Invitae Variant Classification Sherloc (09022015). Collection method: clinical testing. Allele origin: germline.
Comment: This sequence change creates a premature translational stop signal (p.Tyr518Metfs*11) in the ABCB11 gene. It is expected to result in an absent or disrupted protein product. Loss-of-function variants in ABCB11 are known to be pathogenic (PMID: 18395098, 20232290). This variant is not present in population databases (gnomAD no frequency). This variant has not been reported in the literature in individuals affected with ABCB11-related conditions. For these reasons, this variant has been classified as Pathogenic.

Literature cited by the submitters: PubMed 18395098; PubMed 20232290.

NM_003742.4(ABCB11):c.1552del (p.Tyr518fs)

Gene: ABCB11 (ATP binding cassette subfamily B member 11; minus strand). Cytogenetic location: 2q31.1.
Variant type: Deletion.
Coding change: c.1552del on transcript NM_003742.4 (MANE Select); coding-DNA position 1552, one base deleted (T; older notation c.1552delT).
Protein change: p.Tyr518fs; shifts the reading frame from tyrosine 518.
Molecular consequence: frameshift variant.
Genome position (GRCh38, 1-based): chr2:168,971,933, A deleted on the plus strand (T on the coding strand, the reverse complement: ABCB11 is on the minus strand). VCF-style (leftmost placement, unchanged base first): chr2-168971932-TA-T. GRCh37 (hg19) VCF-style: chr2-169828442-TA-T.
Other names: short protein forms Y518fs.
Identifiers: ClinVar variation 4728574 (VCV004728574.1).